The following is an entry in ClinVar:

ClinVar aggregate classification (germline): Pathogenic (1 of 4 stars; one submission).

Conditions:
CDK5RAP2-related disorder. Also called: CDK5RAP2-related condition.

Submission:

PreventionGenetics, part of Exact Sciences
Classification: Pathogenic for CDK5RAP2-related condition. Last evaluated: 2023-10-04. Review status: criteria provided, single submitter. Criteria: ACMG Guidelines, 2015. Collection method: clinical testing. Allele origin: germline.
Comment: The CDK5RAP2 c.448C>T variant is predicted to result in premature protein termination (p.Arg150*). This variant was reported in the homozygous state in multiple affected individuals from 2 families with autosomal recessive primary microcephaly (Rasool et al. 2020. PubMed ID: 32677750; Makhdoom et al. 2022. PubMed ID: 35035405). This variant is reported in 0.0054% of alleles in individuals of East Asian descent in gnomAD. Nonsense variants in CDK5RAP2 are expected to be pathogenic. This variant is interpreted as pathogenic.

NM_018249.6(CDK5RAP2):c.448C>T (p.Arg150Ter)

Gene: CDK5RAP2 (CDK5 regulatory subunit associated protein 2; minus strand). Cytogenetic location: 9q33.2.
Variant type: single nucleotide variant.
Coding change: c.448C>T on transcript NM_018249.6 (MANE Select); coding-DNA position 448, C replaced by T.
Protein change: p.Arg150Ter; replaces arginine 150 with a stop codon.
Molecular consequence: nonsense. On other transcripts: non-coding transcript variant (5).
Genome position (GRCh38, 1-based): chr9:120,539,100, G>A on the plus strand (C>T on the coding strand, the complement: CDK5RAP2 is on the minus strand). VCF-style: chr9-120539100-G-A. GRCh37 (hg19) VCF-style: chr9-123301378-G-A.
Other names: c.448C>T, p.Arg150Ter (NM_001011649.3, NM_001272039.2, NM_001410992.1 and 2 more transcripts); short protein forms R150*.
Identifiers: ClinVar variation 2628755 (VCV002628755.1), dbSNP rs771565845, ClinGen allele CA5214730.